The following is an entry in ClinVar:

NM_020937.4(FANCM):c.384C>T (p.Phe128=)

Gene: FANCM (FA complementation group M; plus strand). Cytogenetic location: 14q21.2.
Variant type: single nucleotide variant.
Coding change: c.384C>T on transcript NM_020937.4 (MANE Select); coding-DNA position 384, C replaced by T.
Protein change: p.Phe128=; no amino-acid change (phenylalanine 128 retained).
Molecular consequence: synonymous variant.
Genome position (GRCh38, 1-based): chr14:45,136,415, C>T. VCF-style: chr14-45136415-C-T. GRCh37 (hg19) VCF-style: chr14-45605618-C-T.
Other names: c.384C>T, p.Phe128= (NM_001308133.2, NM_001308134.2); c.384C>T (NM_020937.3).
Identifiers: ClinVar variation 4022800 (VCV004022800.2).

ClinVar aggregate classification (germline): Conflicting classifications of pathogenicity. Review status: criteria provided, conflicting classifications (1 of 4 stars). 2 submissions from 2 submitters: Uncertain significance (1); Likely benign (1). Last evaluated 2025-11-04.

Conditions:
Inborn genetic diseases. Identifiers: MedGen C0950123, MeSH D030342.

gnomAD v4.1: 8 of 1,614,218 alleles (0.0005%); highest among the groups gnomAD compares: Non-Finnish European, 0.00068%; no homozygotes.

Submissions (2):

Quest Diagnostics Nichols Institute San Juan Capistrano
Classification: Uncertain significance. Last evaluated: 2025-11-04. Review status: criteria provided, single submitter. Criteria: Quest Diagnostics criteria. Collection method: clinical testing. Allele origin: unknown.
Comment: The FANCM c.384C>T (p.Phe128=) synonymous variant has not been reported in individuals with FANCM-related conditions in the published literature. This variant has not been reported in large, multi-ethnic general populations (Genome Aggregation Database). Analysis of this variant using software algorithms for the prediction of the effect of nucleotide changes on splicing yielded predictions that this variant does not affect FANCM mRNA splicing. Based on the available information, we are unable to determine the clinical significance of this variant.

Ambry Genetics
Classification: Likely benign for Inborn genetic diseases. Last evaluated: 2025-05-21. Review status: criteria provided, single submitter. Criteria: Ambry Variant Classification Scheme 2023. Collection method: clinical testing. Allele origin: germline.